The following is an entry in ClinVar:

ClinVar aggregate classification (germline): Conflicting classifications of pathogenicity. Review status: criteria provided, conflicting classifications (1 of 4 stars). 2 submissions from 2 submitters: Uncertain significance (1); Likely benign (1). Last evaluated 2026-04-01.

Allele frequency attached by ClinVar (database versions not stated): gnomAD 0.00002; gnomAD exomes 0.00002; ExAC 0.00003; TOPMed 0.00003.
gnomAD v4.1: 23 of 1,209,934 alleles (0.0019%); highest among the groups gnomAD compares: Non-Finnish European, 0.0021%; no homozygotes.

Submissions (2):

CeGaT Center for Human Genetics Tuebingen
Classification: Likely benign. Last evaluated: 2026-04-01. Review status: criteria provided, single submitter. Criteria: CeGaT Center For Human Genetics Tuebingen Variant Classification Criteria Version 2. Collection method: clinical testing. Allele origin: germline. Affected: yes. Observed: 1 variant allele.
Comment: YY2: BP4, BS2

Ambry Genetics
Classification: Uncertain significance. Last evaluated: 2022-04-22. Review status: criteria provided, single submitter. Criteria: Ambry Variant Classification Scheme 2023. Collection method: clinical testing. Allele origin: germline.

NM_206923.4(YY2):c.284A>G (p.Asn95Ser)

Genes: MBTPS2 (membrane bound transcription factor peptidase, site 2; plus strand), YY2 (YY2 transcription factor; plus strand). Cytogenetic location: Xp22.12.
Variant type: single nucleotide variant.
Coding change: c.284A>G on transcript NM_206923.4 (MANE Select); coding-DNA position 284, A replaced by G.
Protein change: p.Asn95Ser; replaces asparagine 95 with serine.
Molecular consequence: missense variant. On other transcripts: intron variant (1).
Genome position (GRCh38, 1-based): chrX:21,856,768, A>G. VCF-style: chrX-21856768-A-G. GRCh37 (hg19) VCF-style: chrX-21874886-A-G.
Other names: c.670+3265A>G (NM_015884.4); short protein forms N95S.
Identifiers: ClinVar variation 2284805 (VCV002284805.4), dbSNP rs767275737, ClinGen allele CA10367449.